The following is an entry in ClinVar:

ClinVar aggregate classification (germline): Uncertain significance (1 of 4 stars; one submission).

Conditions:
Hypertrophic cardiomyopathy 19. Also called: Familial hypertrophic cardiomyopathy 19. Identifiers: MedGen CN077603, MONDO:0013476.

Allele frequency attached by ClinVar (database versions not stated): TOPMed below 0.00001.

Submission:

Labcorp Genetics (formerly Invitae), Labcorp
Classification: Uncertain significance for Hypertrophic cardiomyopathy 19. Last evaluated: 2025-10-28. Review status: criteria provided, single submitter. Criteria: Invitae Variant Classification Sherloc (09022015). Collection method: clinical testing. Allele origin: germline.
Comment: This sequence change replaces asparagine, which is neutral and polar, with serine, which is neutral and polar, at codon 201 of the CALR3 protein (p.Asn201Ser). This variant is not present in population databases (gnomAD no frequency). This variant has not been reported in the literature in individuals affected with CALR3-related conditions. ClinVar contains an entry for this variant (Variation ID: 1414763). Invitae Evidence Modeling of protein sequence and biophysical properties (such as structural, functional, and spatial information, amino acid conservation, physicochemical variation, residue mobility, and thermodynamic stability) indicates that this missense variant is not expected to disrupt CALR3 protein function with a negative predictive value of 80%. In summary, the available evidence is currently insufficient to determine the role of this variant in disease. Therefore, it has been classified as a Variant of Uncertain Significance.

NM_145046.5(CALR3):c.602A>G (p.Asn201Ser)

Gene: CALR3 (calreticulin 3; minus strand). Cytogenetic location: 19p13.11.
Variant type: single nucleotide variant.
Coding change: c.602A>G on transcript NM_145046.5 (MANE Select); coding-DNA position 602, A replaced by G.
Protein change: p.Asn201Ser; replaces asparagine 201 with serine.
Molecular consequence: missense variant.
Genome position (GRCh38, 1-based): chr19:16,484,006, T>C on the plus strand (A>G on the coding strand, the complement: CALR3 is on the minus strand). VCF-style: chr19-16484006-T-C. GRCh37 (hg19) VCF-style: chr19-16594817-T-C.
Other names: short protein forms N201S.
Identifiers: ClinVar variation 1414763 (VCV001414763.6), dbSNP rs1599718220, ClinGen allele CA404609543.